The following is an entry in ClinVar:

NM_007103.4(NDUFV1):c.439C>T (p.Arg147Trp)

Gene: NDUFV1 (NADH:ubiquinone oxidoreductase core subunit V1; plus strand). Cytogenetic location: 11q13.2.
Variant type: single nucleotide variant.
Coding change: c.439C>T on transcript NM_007103.4 (MANE Select); coding-DNA position 439, C replaced by T.
Protein change: p.Arg147Trp; replaces arginine 147 with tryptophan.
Molecular consequence: missense variant.
Genome position (GRCh38, 1-based): chr11:67,609,564, C>T. VCF-style: chr11-67609564-C-T. GRCh37 (hg19) VCF-style: chr11-67377035-C-T.
Other names: c.412C>T, p.Arg138Trp (NM_001166102.2); short protein forms R147W, R138W.
Identifiers: ClinVar variation 2137166 (VCV002137166.2), dbSNP rs766746294, ClinGen allele CA6143173.

ClinVar aggregate classification (germline): Uncertain significance. Review status: criteria provided, multiple submitters, no conflicts (2 of 4 stars). 2 submissions from 2 submitters: Uncertain significance (2). Last evaluated 2025-11-10.

Allele frequency attached by ClinVar (database versions not stated): gnomAD exomes 0.00001; ExAC 0.00003; gnomAD 0.00005; TOPMed 0.00005.
gnomAD v4.1: 29 of 1,612,704 alleles (0.0018%); highest among the groups gnomAD compares: Middle Eastern, 0.016%; no homozygotes.

Submissions (2):

Women's Health and Genetics/Laboratory Corporation of America, LabCorp
Classification: Uncertain significance. Last evaluated: 2025-11-10. Review status: criteria provided, single submitter. Criteria: LabCorp Variant Classification Summary - May 2015. Collection method: clinical testing. Allele origin: germline.
Comment: Variant summary: NDUFV1 c.439C>T (p.Arg147Trp) results in a non-conservative amino acid change in the encoded protein sequence. Algorithms developed to predict the effect of missense changes on protein structure and function all suggest that this variant is likely to be disruptive. The variant allele was found at a frequency of 3.2e-05 in 249420 control chromosomes. The available data on variant occurrences in the general population are insufficient to allow any conclusion about variant significance. c.439C>T has been observed in individual(s) affected with Complex 1 deficiency (example: Calvo_Nat Genet). These report(s) do not provide unequivocal conclusions about association of the variant with Leigh Syndrome. At least one publication reports experimental evidence evaluating an impact on protein function. These results showed no damaging effect of this variant (example: Varghese_2015). The following publications have been ascertained in the context of this evaluation (PMID: 20818383, 26345448). ClinVar contains an entry for this variant (Variation ID: 2137166). Based on the evidence outlined above, the variant was classified as uncertain significance.

Labcorp Genetics (formerly Invitae), Labcorp
Classification: Uncertain significance. Last evaluated: 2022-06-08. Review status: criteria provided, single submitter. Criteria: Invitae Variant Classification Sherloc (09022015). Collection method: clinical testing. Allele origin: germline.
Comment: This sequence change replaces arginine, which is basic and polar, with tryptophan, which is neutral and slightly polar, at codon 147 of the NDUFV1 protein (p.Arg147Trp). This variant is present in population databases (rs766746294, gnomAD 0.005%). This missense change has been observed in individual(s) with NDUFV1-related conditions (PMID: 20818383). Advanced modeling of protein sequence and biophysical properties (such as structural, functional, and spatial information, amino acid conservation, physicochemical variation, residue mobility, and thermodynamic stability) performed at Invitae indicates that this missense variant is expected to disrupt NDUFV1 protein function. Experimental studies have shown that this missense change does not substantially affect NDUFV1 function (PMID: 26345448). In summary, the available evidence is currently insufficient to determine the role of this variant in disease. Therefore, it has been classified as a Variant of Uncertain Significance.

Literature cited by the submitters: PubMed 20818383 (cited by Women's Health and Genetics/Laboratory Corporation of America, LabCorp and Labcorp Genetics (formerly Invitae), Labcorp); PubMed 26345448 (cited by Women's Health and Genetics/Laboratory Corporation of America, LabCorp and Labcorp Genetics (formerly Invitae), Labcorp).